The following is an entry in ClinVar:

NM_001101.5(ACTB):c.420A>G (p.Leu140=)

Gene: ACTB (actin beta; minus strand). Cytogenetic location: 7p22.1.
Variant type: single nucleotide variant.
Coding change: c.420A>G on transcript NM_001101.5 (MANE Select); coding-DNA position 420, A replaced by G.
Protein change: p.Leu140=; no amino-acid change (leucine 140 retained).
Molecular consequence: synonymous variant.
Genome position (GRCh38, 1-based): chr7:5,528,663, T>C on the plus strand (A>G on the coding strand, the complement: ACTB is on the minus strand). VCF-style: chr7-5528663-T-C. GRCh37 (hg19) VCF-style: chr7-5568294-T-C.
Other names: c.420A>G (LRG_132t1).
Identifiers: ClinVar variation 290841 (VCV000290841.28), dbSNP rs13447405, ClinGen allele CA4147004.

ClinVar aggregate classification (germline): Benign/Likely benign. Review status: criteria provided, multiple submitters, no conflicts (2 of 4 stars). 10 submissions from 9 submitters: Benign (7); Likely benign (2). 1 of the submissions does not count toward it. Last evaluated 2026-03-01.

Conditions:
ACTB-related disorder. Also called: ACTB-related disorders; ACTB-related condition.
Developmental malformations-deafness-dystonia syndrome (DDS1). Identifiers: Orphanet 79107, MedGen C5848323, MONDO:0011823, OMIM 607371.
Baraitser-Winter syndrome 1 (BRWS1). Also called: PACHYGYRIA, MENTAL RETARDATION, EPILEPSY, AND CHARACTERISTIC FACIES; MENTAL RETARDATION WITH EPILEPSY AND CHARACTERISTIC FACIES; Cerebrofrontofacial syndrome; BARAITSER-WINTER SYNDROME 1, ATYPICAL. Identifiers: Orphanet 2649, Orphanet 2995, MedGen C1855722, MONDO:0009470, OMIM 243310.

Allele frequency attached by ClinVar (database versions not stated): gnomAD exomes 0.00014 and 0.00036; ExAC 0.00043; 1000 Genomes Project 0.00120; ESP Exome Variant Server 0.00131; gnomAD 0.00136 and 0.00145; 1000 Genomes Project 30x 0.00156; TOPMed 0.00172.
gnomAD v4.1: 430 of 1,613,932 alleles (0.027%); highest among the groups gnomAD compares: African/African-American, 0.47%; 1 homozygote.

Submissions (10):

CeGaT Center for Human Genetics Tuebingen
Classification: Likely benign. Last evaluated: 2026-03-01. Review status: criteria provided, single submitter. Criteria: CeGaT Center For Human Genetics Tuebingen Variant Classification Criteria Version 2. Collection method: clinical testing. Allele origin: germline. Affected: yes. Observed: 1 variant allele.
Comment: ACTB: BP4, BP7, BS1

Labcorp Genetics (formerly Invitae), Labcorp
Classification: Benign for Baraitser-Winter syndrome 1. Last evaluated: 2026-02-02. Review status: criteria provided, single submitter. Criteria: Invitae Variant Classification Sherloc (09022015). Collection method: clinical testing. Allele origin: germline.

Blueprint Genetics
Classification: Likely benign. Last evaluated: 2024-11-14. Review status: criteria provided, single submitter. Criteria: ACMG Guidelines, 2015. Collection method: clinical testing. Allele origin: germline.

Genome-Nilou Lab
Classification: Benign for Baraitser-Winter syndrome 1. Last evaluated: 2021-12-05. Review status: criteria provided, single submitter. Criteria: ACMG Guidelines, 2015. Collection method: clinical testing. Allele origin: germline. Affected: no.

Genome-Nilou Lab
Classification: Benign for Developmental malformations-deafness-dystonia syndrome. Last evaluated: 2021-12-05. Review status: criteria provided, single submitter. Criteria: ACMG Guidelines, 2015. Collection method: clinical testing. Allele origin: germline. Affected: no.

Fulgent Genetics
Classification: Benign for Baraitser-Winter syndrome 1; Developmental malformations-deafness-dystonia syndrome. Last evaluated: 2021-07-16. Review status: criteria provided, single submitter. Criteria: ACMG Guidelines, 2015. Collection method: clinical testing. Allele origin: unknown.

Athena Diagnostics
Classification: Benign. Last evaluated: 2018-11-12. Review status: criteria provided, single submitter. Criteria: Athena Diagnostics Criteria. Collection method: clinical testing. Allele origin: germline.

GeneDx
Classification: Benign. Last evaluated: 2018-05-22. Review status: criteria provided, single submitter. Criteria: GeneDx Variant Classification (06012015). Collection method: clinical testing. Allele origin: germline. Affected: yes.
Comment: This variant is considered likely benign or benign based on one or more of the following criteria: it is a conservative change, it occurs at a poorly conserved position in the protein, it is predicted to be benign by multiple in silico algorithms, and/or has population frequency not consistent with disease.

Eurofins Ntd Llc (ga)
Classification: Benign. Last evaluated: 2016-09-13. Review status: criteria provided, single submitter. Criteria: EGL Classification Definitions 2015. Collection method: clinical testing. Allele origin: germline. Observed: 1 variant allele, 1 heterozygote.

PreventionGenetics, part of Exact Sciences
Classification: Benign for ACTB-related condition. Last evaluated: 2021-10-27. Review status: no assertion criteria provided. Collection method: clinical testing. Allele origin: germline. Not counted in ClinVar's aggregate classification.
Comment: This variant is classified as benign based on ACMG/AMP sequence variant interpretation guidelines (Richards et al. 2015 PMID: 25741868, with internal and published modifications).